The following is an entry in ClinVar:

ClinVar aggregate classification (germline): Uncertain significance (1 of 4 stars; one submission).

Allele frequency attached by ClinVar (database versions not stated): gnomAD exomes 0.00001 and 0.00002; ExAC 0.00002; TOPMed 0.00003; gnomAD 0.00004; ESP Exome Variant Server 0.00008; 1000 Genomes Project 30x 0.00016; 1000 Genomes Project 0.00020.
gnomAD v4.1: 13 of 1,613,924 alleles (0.00081%); highest among the groups gnomAD compares: African/African-American, 0.013%; no homozygotes.

Submission:

Labcorp Genetics (formerly Invitae), Labcorp
Classification: Uncertain significance. Last evaluated: 2023-11-27. Review status: criteria provided, single submitter. Criteria: Invitae Variant Classification Sherloc (09022015). Collection method: clinical testing. Allele origin: germline.
Comment: This sequence change replaces isoleucine, which is neutral and non-polar, with valine, which is neutral and non-polar, at codon 206 of the PTPN23 protein (p.Ile206Val). This variant is present in population databases (rs139402667, gnomAD 0.03%). This variant has not been reported in the literature in individuals affected with PTPN23-related conditions. ClinVar contains an entry for this variant (Variation ID: 1361497). Experimental studies and prediction algorithms are not available or were not evaluated, and the functional significance of this variant is currently unknown. In summary, the available evidence is currently insufficient to determine the role of this variant in disease. Therefore, it has been classified as a Variant of Uncertain Significance.

NM_015466.4(PTPN23):c.616A>G (p.Ile206Val)

Gene: PTPN23 (protein tyrosine phosphatase non-receptor type 23; plus strand). Cytogenetic location: 3p21.31.
Variant type: single nucleotide variant.
Coding change: c.616A>G on transcript NM_015466.4 (MANE Select); coding-DNA position 616, A replaced by G.
Protein change: p.Ile206Val; replaces isoleucine 206 with valine.
Molecular consequence: missense variant.
Genome position (GRCh38, 1-based): chr3:47,406,394, A>G. VCF-style: chr3-47406394-A-G. GRCh37 (hg19) VCF-style: chr3-47447884-A-G.
Other names: c.238A>G, p.Ile80Val (NM_001304482.2); short protein forms I80V, I206V.
Identifiers: ClinVar variation 1361497 (VCV001361497.6), dbSNP rs139402667, ClinGen allele CA2365397.
Genomic context (GRCh38, chr3:47,406,394, plus strand): 5'-CAGGAGTGCCTCCTGGAGAAGTCGATGTTGGACAACAGGAAGAGCTTTCTGGTGGCCCGC[A>G]TCAGTGCACAGGTAGGGACGGGGCTGAGGGGAGGCCTTCACTTTACTGCTGACTCCCCCA-3'
Protein context (NP_056281.1, residues 196-216): DNRKSFLVAR[Ile206Val]SAQVVDYYKE